The following is an entry in ClinVar:

NM_015466.4(PTPN23):c.524C>T (p.Thr175Met)

Gene: PTPN23 (protein tyrosine phosphatase non-receptor type 23; plus strand). Cytogenetic location: 3p21.31.
Variant type: single nucleotide variant.
Coding change: c.524C>T on transcript NM_015466.4 (MANE Select); coding-DNA position 524, C replaced by T.
Protein change: p.Thr175Met; replaces threonine 175 with methionine.
Molecular consequence: missense variant.
Genome position (GRCh38, 1-based): chr3:47,406,024, C>T. VCF-style: chr3-47406024-C-T. GRCh37 (hg19) VCF-style: chr3-47447514-C-T.
Other names: c.146C>T, p.Thr49Met (NM_001304482.2); c.524C>T (NM_015466.2); short protein forms T175M, T49M.
Identifiers: ClinVar variation 2184682 (VCV002184682.4), dbSNP rs781711119, ClinGen allele CA2365353.
Genomic context (GRCh38, chr3:47,406,024, plus strand): 5'-CCTACCTACGGGAGCACTTCCCTCAAGCCTACAGCGTCGACATGAGCCGCCAGATCCTTA[C>T]GCTCAACGTCAACCTCATGCTGGTGAGGAGGCGCCCTGGTTGGAGTGGAGTTGAATCCAG-3'
Protein context (NP_056281.1, residues 165-185): YSVDMSRQIL[Thr175Met]LNVNLMLGQA

ClinVar aggregate classification (germline): Uncertain significance. Review status: criteria provided, multiple submitters, no conflicts (2 of 4 stars). 3 submissions from 3 submitters: Uncertain significance (3). Last evaluated 2025-08-05.

Conditions:
Neurodevelopmental disorder and structural brain anomalies with or without seizures and spasticity. Identifiers: MedGen C5394423, MONDO:0030046, OMIM 618890.
Inborn genetic diseases. Identifiers: MedGen C0950123, MeSH D030342.

Allele frequency attached by ClinVar (database versions not stated): ExAC 0.00001; gnomAD exomes 0.00001.
gnomAD v4.1: 18 of 1,613,054 alleles (0.0011%); highest among the groups gnomAD compares: Middle Eastern, 0.016%; no homozygotes.

Submissions (3):

Ambry Genetics
Classification: Uncertain significance for Inborn genetic diseases. Last evaluated: 2025-08-05. Review status: criteria provided, single submitter. Criteria: Ambry Variant Classification Scheme 2023. Collection method: clinical testing. Allele origin: germline.

Labcorp Genetics (formerly Invitae), Labcorp
Classification: Uncertain significance. Last evaluated: 2024-04-03. Review status: criteria provided, single submitter. Criteria: Invitae Variant Classification Sherloc (09022015). Collection method: clinical testing. Allele origin: germline.
Comment: This sequence change replaces threonine, which is neutral and polar, with methionine, which is neutral and non-polar, at codon 175 of the PTPN23 protein (p.Thr175Met). This variant is present in population databases (rs781711119, gnomAD 0.003%). This variant has not been reported in the literature in individuals affected with PTPN23-related conditions. ClinVar contains an entry for this variant (Variation ID: 2184682). Experimental studies and prediction algorithms are not available or were not evaluated, and the functional significance of this variant is currently unknown. In summary, the available evidence is currently insufficient to determine the role of this variant in disease. Therefore, it has been classified as a Variant of Uncertain Significance.

Baylor Genetics
Classification: Uncertain significance for Neurodevelopmental disorder and structural brain anomalies with or without seizures and spasticity. Last evaluated: 2021-02-19. Review status: criteria provided, single submitter. Criteria: ACMG Guidelines, 2015. Collection method: clinical testing. Allele origin: unknown.